The following is an entry in ClinVar:

ClinVar aggregate classification (germline): Likely benign (0 of 4 stars; one submission).

Conditions:
ALAS2-related disorder. Also called: ALAS2-related condition.

Allele frequency attached by ClinVar (database versions not stated): gnomAD 0.00017; TOPMed 0.00023.
gnomAD v4.1: 20 of 110,748 alleles (0.018%); highest among the groups gnomAD compares: African/African-American, 0.049%; no homozygotes.

Submission:

PreventionGenetics, part of Exact Sciences
Classification: Likely benign for ALAS2-related condition. Last evaluated: 2022-06-16. Review status: no assertion criteria provided. Collection method: clinical testing. Allele origin: germline.
Comment: This variant is classified as likely benign based on ACMG/AMP sequence variant interpretation guidelines (Richards et al. 2015 PMID: 25741868, with internal and published modifications).

NM_000032.5(ALAS2):c.-15-2208C>T

Genes: ALAS2 (5'-aminolevulinate synthase 2; minus strand), PAGE2B (PAGE family member 2B; plus strand), LOC108663984 (ALAS2 intron 1 and 3 erythroid regulatory elements; plus strand). Cytogenetic location: Xp11.21.
Variant type: single nucleotide variant.
Coding change: c.-15-2208C>T on transcript NM_000032.5 (MANE Select); 2208 bases into the intron before 15 bases upstream of the start codon, C replaced by T.
Molecular consequence: intron variant.
Genome position (GRCh38, 1-based): chrX:55,028,223, G>A on the plus strand (C>T on the coding strand, the complement: ALAS2 is on the minus strand). VCF-style: chrX-55028223-G-A. GRCh37 (hg19) VCF-style: chrX-55054656-G-A.
Other names: c.-15-2208C>T (NM_001037967.4); c.-50-366C>T (NM_001037968.4).
Identifiers: ClinVar variation 3046336 (VCV003046336.2), dbSNP rs1042353058, ClinGen allele CA328977515.